The following is an entry in ClinVar:

NM_052947.4(ALPK2):c.1631G>A (p.Gly544Glu)

Gene: ALPK2 (alpha kinase 2; minus strand). Cytogenetic location: 18q21.31.
Variant type: single nucleotide variant.
Coding change: c.1631G>A on transcript NM_052947.4 (MANE Select); coding-DNA position 1631, G replaced by A.
Protein change: p.Gly544Glu; replaces glycine 544 with glutamic acid.
Molecular consequence: missense variant.
Genome position (GRCh38, 1-based): chr18:58,579,145, C>T on the plus strand (G>A on the coding strand, the complement: ALPK2 is on the minus strand). VCF-style: chr18-58579145-C-T. GRCh37 (hg19) VCF-style: chr18-56246377-C-T.
Other names: short protein forms G544E.
Identifiers: ClinVar variation 3228579 (VCV003228579.1), dbSNP rs1463167193, ClinGen allele CA402561391.

ClinVar aggregate classification (germline): Uncertain significance (1 of 4 stars; one submission).

Allele frequency attached by ClinVar (database versions not stated): TOPMed below 0.00001; gnomAD 0.00001.
gnomAD v4.1: 1 of 1,614,042 alleles (0.000062%); highest among the groups gnomAD compares: African/African-American, 0.0013%; no homozygotes.

Submission:

Ambry Genetics
Classification: Uncertain significance. Last evaluated: 2023-12-24. Review status: criteria provided, single submitter. Criteria: Ambry Variant Classification Scheme 2023. Collection method: clinical testing. Allele origin: germline.
Comment: The p.G544E variant (also known as c.1631G>A), located in coding exon 3 of the ALPK2 gene, results from a G to A substitution at nucleotide position 1631. The glycine at codon 544 is replaced by glutamic acid, an amino acid with similar properties. This amino acid position is conserved. In addition, this alteration is predicted to be tolerated by in silico analysis. Since supporting evidence is limited at this time, the clinical significance of this alteration remains unclear.